The following is an entry in ClinVar:

ClinVar aggregate classification (germline): Uncertain significance. Review status: criteria provided, multiple submitters, no conflicts (2 of 4 stars). 3 submissions from 3 submitters: Uncertain significance (3). Last evaluated 2024-05-23.

Conditions:
Baraitser-winter syndrome 2. Identifiers: Orphanet 2995, MedGen C3281235, MONDO:0013812, OMIM 614583.
Autosomal dominant nonsyndromic hearing loss 20. Identifiers: Orphanet 90635, MedGen C1858172, MONDO:0011480, OMIM 604717.

Submissions (3):

Labcorp Genetics (formerly Invitae), Labcorp
Classification: Uncertain significance for Baraitser-winter syndrome 2; Autosomal dominant nonsyndromic hearing loss 20. Last evaluated: 2024-05-23. Review status: criteria provided, single submitter. Criteria: Invitae Variant Classification Sherloc (09022015). Collection method: clinical testing. Allele origin: germline.
Comment: This sequence change replaces valine, which is neutral and non-polar, with methionine, which is neutral and non-polar, at codon 287 of the ACTG1 protein (p.Val287Met). This variant is not present in population databases (gnomAD no frequency). This missense change has been observed in individual(s) with deafness (PMID: 36194208). ClinVar contains an entry for this variant (Variation ID: 1300756). Advanced modeling of protein sequence and biophysical properties (such as structural, functional, and spatial information, amino acid conservation, physicochemical variation, residue mobility, and thermodynamic stability) performed at Invitae indicates that this missense variant is not expected to disrupt ACTG1 protein function with a negative predictive value of 80%. In summary, the available evidence is currently insufficient to determine the role of this variant in disease. Therefore, it has been classified as a Variant of Uncertain Significance.

3billion
Classification: Uncertain significance for Autosomal dominant nonsyndromic hearing loss 20. Last evaluated: 2022-03-22. Review status: criteria provided, single submitter. Criteria: ACMG Guidelines, 2015. Collection method: clinical testing. Allele origin: germline. Affected: yes. Observed: 1 heterozygote.
Comment: The variant is not observed in the gnomAD v2.1.1 dataset. In silico tool predictions suggest damaging effect of the variant on gene or gene product (REVEL: 0.688>=0.6, 3CNET: 0.964>=0.75). A missense variant is a common mechanism . Therefore, this variant is classified as uncertain significance according to the recommendation of ACMG/AMP guideline.

GeneDx
Classification: Uncertain significance. Last evaluated: 2021-10-11. Review status: criteria provided, single submitter. Criteria: GeneDx Variant Classification Process June 2021. Collection method: clinical testing. Allele origin: germline. Affected: yes.
Comment: Not observed in large population cohorts (Lek et al., 2016); The majority of missense variants in this gene are considered pathogenic (Stenson et al., 2014); In silico analysis, which includes protein predictors and evolutionary conservation, supports that this variant does not alter protein structure/function; Has not been previously published as pathogenic or benign to our knowledge

Literature cited by the submitters: PubMed 36194208 (cited by Labcorp Genetics (formerly Invitae), Labcorp).

NM_001614.5(ACTG1):c.859G>A (p.Val287Met)

Gene: ACTG1 (actin gamma 1; minus strand). Cytogenetic location: 17q25.3.
Variant type: single nucleotide variant.
Coding change: c.859G>A on transcript NM_001614.5 (MANE Select); coding-DNA position 859, G replaced by A.
Protein change: p.Val287Met; replaces valine 287 with methionine.
Molecular consequence: missense variant. On other transcripts: non-coding transcript variant (1).
Genome position (GRCh38, 1-based): chr17:81,511,052, C>T on the plus strand (G>A on the coding strand, the complement: ACTG1 is on the minus strand). VCF-style: chr17-81511052-C-T. GRCh37 (hg19) VCF-style: chr17-79478078-C-T.
Other names: c.859G>A, p.Val287Met (NM_001199954.3); short protein forms V287M.
Identifiers: ClinVar variation 1300756 (VCV001300756.5), dbSNP rs2143775561, ClinGen allele CA401459270.